The following is an entry in ClinVar:

ClinVar aggregate classification (germline): Uncertain significance. Review status: criteria provided, multiple submitters, no conflicts (2 of 4 stars). 3 submissions from 3 submitters: Uncertain significance (3). Last evaluated 2024-07-29.

Conditions:
Familial isolated arrhythmogenic right ventricular dysplasia. Identifiers: Orphanet 217656, MedGen C4274968, MONDO:0016342.
Arrhythmogenic right ventricular cardiomyopathy (ARVD). Also called: Arrhythmogenic right ventricular dysplasia; Arrhythmogenic cardiomyopathy; Arrhythmogenic Right Ventricular Cardiomyopathy (ARVC); Cardiomyopathy, ARVC. Identifiers: Orphanet 247, MedGen C0349788, MeSH D019571, MONDO:0016587. Disease mechanism: loss of function. Inheritance: Various modes of inheritance.
Cardiomyopathy (CMYO). Also called: Cardiomyopathies. Identifiers: Orphanet 167848, MedGen C0878544, MONDO:0004994, HP:0001638. Inheritance: Various modes of inheritance.

Submissions (3):

All of Us Research Program, National Institutes of Health
Classification: Uncertain significance for Familial isolated arrhythmogenic right ventricular dysplasia. Last evaluated: 2024-07-29. Review status: criteria provided, single submitter. Criteria: ACMG Guidelines, 2015. Collection method: clinical testing. Allele origin: germline. Inheritance: Autosomal dominant inheritance. Observed: 2 variant alleles, 2 heterozygotes.
Comment: This variant causes a T to G nucleotide substitution at the +2 position of intron 8 of the DSC2 gene. Splice site prediction tools predict that this variant may have a significant impact on RNA splicing. Although this prediction has not been confirmed in published RNA studies, this variant is expected to result in an absent or disrupted protein product. To our knowledge, functional studies have not been reported for this variant. This variant has not been reported in individuals affected with DSC2-related disorders in the literature. This variant has not been identified in the general population by the Genome Aggregation Database (gnomAD). Although there is a suspicion for a pathogenic role, clinical relevance of loss-of-function DSC2 truncation and splice variants in autosomal dominant arrhythmogenic cardiomyopathy is not yet clearly established. The available evidence is insufficient to determine the role of this variant in disease conclusively. Therefore, this variant is classified as a Variant of Uncertain Significance.

This study involves interpretation of variants in research participants for the purpose of population health screening. Participant phenotype was not available at the time of variant classification. Additional details can be found in publication PMID: 35346344, PMCID: PMC8962531

Color Diagnostics, LLC DBA Color Health
Classification: Uncertain significance for Cardiomyopathy. Last evaluated: 2024-07-18. Review status: criteria provided, single submitter. Criteria: ACMG Guidelines, 2015. Collection method: clinical testing. Allele origin: germline.
Comment: This variant causes a T to G nucleotide substitution at the +2 position of intron 8 of the DSC2 gene. Splice site prediction tools predict that this variant may have a significant impact on RNA splicing. To our knowledge, functional studies have not been reported for this variant. This variant has not been reported in individuals affected with DSC2-related disorders in the literature. This variant has not been identified in the general population by the Genome Aggregation Database (gnomAD). Although there is a suspicion for a pathogenic role, clinical relevance of loss-of-function DSC2 truncation and splice variants in autosomal dominant arrhythmogenic cardiomyopathy is not yet clearly established. The available evidence is insufficient to determine the role of this variant in disease conclusively. Therefore, this variant is classified as a Variant of Uncertain Significance.

Laboratory for Molecular Medicine, Mass General Brigham Personalized Medicine
Classification: Uncertain significance for Arrhythmogenic right ventricular cardiomyopathy. Last evaluated: 2024-02-27. Review status: criteria provided, single submitter. Criteria: ACMG Guidelines, 2015. Collection method: clinical testing. Allele origin: germline.
Comment: It was absent from large population studies (gnomAD v4.0.0). This variant occurs within the canonical splice site (+/- 1,2) and is predicted to cause altered splicing leading to an abnormal or absent protein. However, exon 8, which is affected by this variant, is in frame and consists of only 135 base pairs and encodes less than 10% of the DSC2 protein. In summary, while there is some suspicion for a pathogenic role, the clinical significance of this variant is uncertain. ACMG/AMP Criteria applied: PM2_Supporting.

NM_024422.6(DSC2):c.1077+2T>G

Gene: DSC2 (desmocollin 2; minus strand). Cytogenetic location: 18q12.1.
Variant type: single nucleotide variant.
Coding change: c.1077+2T>G on transcript NM_024422.6 (MANE Select); the canonical splice donor site of the intron after coding-DNA position 1077, T replaced by G.
Molecular consequence: splice donor variant.
Genome position (GRCh38, 1-based): chr18:31,082,924, A>C on the plus strand (T>G on the coding strand, the complement: DSC2 is on the minus strand). VCF-style: chr18-31082924-A-C. GRCh37 (hg19) VCF-style: chr18-28662890-A-C.
Other names: c.1077+2T>G (NM_004949.5); c.648+2T>G (NM_001406506.1, NM_001406507.1).
Identifiers: ClinVar variation 46161 (VCV000046161.11), dbSNP rs397517389, ClinGen allele CA022404.